The following is an entry in ClinVar:

ClinVar aggregate classification (germline): Benign. Review status: criteria provided, multiple submitters, no conflicts (2 of 4 stars). 4 submissions from 4 submitters: Benign (4). Last evaluated 2026-09-01.

Conditions:
Multiple gastrointestinal atresias. Also called: FAMILIAL INTESTINAL POLYATRESIA SYNDROME; Multiple intestinal atresia. Identifiers: Orphanet 2300, MedGen C0220744, MONDO:0009465.

Allele frequency attached by ClinVar (database versions not stated): 1000 Genomes Project 0.00300; 1000 Genomes Project 30x 0.00328; TOPMed 0.00634; gnomAD exomes 0.00653; ExAC 0.00686; ESP Exome Variant Server 0.00753; gnomAD 0.00851.
gnomAD v4.1: 15,773 of 1,613,746 alleles (0.98%); highest among the groups gnomAD compares: Non-Finnish European, 1.2%; 95 homozygotes.

Submissions (4):

CeGaT Center for Human Genetics Tuebingen
Classification: Benign. Last evaluated: 2026-09-01. Review status: criteria provided, single submitter. Criteria: CeGaT Center For Human Genetics Tuebingen Variant Classification Criteria Version 2. Collection method: clinical testing. Allele origin: germline. Affected: yes. Observed: 19 variant alleles.
Comment: TTC7A: BP4, BP7, BS1, BS2

Labcorp Genetics (formerly Invitae), Labcorp
Classification: Benign for Multiple gastrointestinal atresias. Last evaluated: 2026-02-04. Review status: criteria provided, single submitter. Criteria: Invitae Variant Classification Sherloc (09022015). Collection method: clinical testing. Allele origin: germline.

Mayo Clinic Laboratories, Mayo Clinic
Classification: Benign. Last evaluated: 2024-05-14. Review status: criteria provided, single submitter. Criteria: ACMG Guidelines, 2015. Collection method: clinical testing. Allele origin: germline. Observed: 4 variant alleles.
Comment: BS1, BS2, BP4, BP7

Breakthrough Genomics
Classification: Benign. Review status: criteria provided, single submitter. Criteria: ACMG Guidelines, 2015. Collection method: not provided. Allele origin: germline. Inheritance: Autosomal recessive inheritance. Affected: yes.

NM_020458.4(TTC7A):c.873G>C (p.Leu291=)

Gene: TTC7A (tetratricopeptide repeat domain 7A; plus strand). Cytogenetic location: 2p21.
Variant type: single nucleotide variant.
Coding change: c.873G>C on transcript NM_020458.4 (MANE Select); coding-DNA position 873, G replaced by C.
Protein change: p.Leu291=; no amino-acid change (leucine 291 retained).
Molecular consequence: synonymous variant. On other transcripts: intron variant (1).
Genome position (GRCh38, 1-based): chr2:46,994,386, G>C. VCF-style: chr2-46994386-G-C. GRCh37 (hg19) VCF-style: chr2-47221525-G-C.
Other names: p.Leu291=; c.873G>C, p.Leu291= (LRG_1323t1, NM_001288951.2); c.771G>C, p.Leu257= (NM_001288953.2); c.-61-750G>C (NM_001288955.2).
Identifiers: ClinVar variation 458804 (VCV000458804.44), dbSNP rs113997845, ClinGen allele CA1647398.